The following is an entry in ClinVar:

ClinVar aggregate classification (germline): Conflicting classifications of pathogenicity. Review status: criteria provided, conflicting classifications (1 of 4 stars). 3 submissions from 3 submitters: Likely pathogenic (1); Uncertain significance (2). Last evaluated 2025-06-12.

Conditions:
SKIN/HAIR/EYE PIGMENTATION 5, BLACK/NONBLACK HAIR (SHEP5). Also called: SKIN/HAIR/EYE PIGMENTATION, VARIATION IN, 5; SKIN/HAIR/EYE PIGMENTATION 5, DARK/FAIR SKIN; SKIN/HAIR/EYE PIGMENTATION 5, DARK/LIGHT EYES. Identifiers: MedGen C2673584, OMIM 227240.
Oculocutaneous albinism type 4 (OCA4). Also called: Albinism, oculocutaneous, type IV. Identifiers: Orphanet 79435, MedGen C1847836, MONDO:0011683, OMIM 606574.
Inborn genetic diseases. Identifiers: MedGen C0950123, MeSH D030342.

gnomAD v4.1: 4 of 1,614,224 alleles (0.00025%); highest among the groups gnomAD compares: Non-Finnish European, 0.00034%; no homozygotes.

Submissions (3):

Ambry Genetics
Classification: Uncertain significance for Inborn genetic diseases. Last evaluated: 2025-06-12. Review status: criteria provided, single submitter. Criteria: Ambry Variant Classification Scheme 2023. Collection method: clinical testing. Allele origin: germline.

Laboratory of Genetic Epidemiology, Research Centre for Medical Genetics
Classification: Likely pathogenic for SKIN/HAIR/EYE PIGMENTATION 5, BLACK/NONBLACK HAIR; Oculocutaneous albinism type 4. Last evaluated: 2025-01-01. Review status: criteria provided, single submitter. Criteria: ACMG Guidelines, 2015. Collection method: clinical testing. Allele origin: biparental. Inheritance: Autosomal recessive inheritance. Affected: yes. Observed: 1 homozygote.
Comment: The missense variant NM_016180.4:c.1295G>A, p.(Gly432Asp) was identified in a homozygous state in three proband diagnosed with albinism. This variant has not been previously reported in the literature and is listed in gnomAD v3.1.2 with allele frequency 0.000006 (1/152214). The variant has been reported only in Ossetian ethnic group in Russia. The affected amino acid position is evolutionarily conserved, located in conservative topological domain, and may disrupt the protein's spatial structure in this region, impairing its function in ion transport to melanosomes. Multiple in silico prediction tools support a deleterious effect. Taken together, the variant meets the following ACMG/AMP criteria and can be classified as likely pathogenic with PM2, PP3, PM3, PP4 criteria.

Labcorp Genetics (formerly Invitae), Labcorp
Classification: Uncertain significance. Last evaluated: 2021-10-13. Review status: criteria provided, single submitter. Criteria: Invitae Variant Classification Sherloc (09022015). Collection method: clinical testing. Allele origin: germline.
Comment: This variant is not present in population databases (ExAC no frequency). In summary, the available evidence is currently insufficient to determine the role of this variant in disease. Therefore, it has been classified as a Variant of Uncertain Significance. Algorithms developed to predict the effect of missense changes on protein structure and function (SIFT, PolyPhen-2, Align-GVGD) all suggest that this variant is likely to be disruptive, but these predictions have not been confirmed by published functional studies and their clinical significance is uncertain. This variant has not been reported in the literature in individuals with SLC45A2-related conditions. This sequence change replaces glycine with aspartic acid at codon 432 of the SLC45A2 protein (p.Gly432Asp). The glycine residue is highly conserved and there is a moderate physicochemical difference between glycine and aspartic acid.

Literature cited by the submitters: PubMed 41428507 (cited by Laboratory of Genetic Epidemiology, Research Centre for Medical Genetics).

NM_016180.5(SLC45A2):c.1295G>A (p.Gly432Asp)

Gene: SLC45A2 (solute carrier family 45 member 2; minus strand). Cytogenetic location: 5p13.2.
Variant type: single nucleotide variant.
Coding change: c.1295G>A on transcript NM_016180.5 (MANE Select); coding-DNA position 1295, G replaced by A.
Protein change: p.Gly432Asp; replaces glycine 432 with aspartic acid.
Molecular consequence: missense variant.
Genome position (GRCh38, 1-based): chr5:33,947,236, C>T on the plus strand (G>A on the coding strand, the complement: SLC45A2 is on the minus strand). VCF-style: chr5-33947236-C-T. GRCh37 (hg19) VCF-style: chr5-33947341-C-T.
Other names: c.1295G>A (NM_016180.4, NM_016180.3); c.1295G>A, p.Gly432Asp (NM_001012509.4); short protein forms G432D.
Identifiers: ClinVar variation 1359947 (VCV001359947.8), dbSNP rs1211363704, ClinGen allele CA359388401.